The following is an entry in ClinVar:

ClinVar aggregate classification (germline): Uncertain significance. Review status: criteria provided, multiple submitters, no conflicts (2 of 4 stars). 4 submissions from 4 submitters: Uncertain significance (4). Last evaluated 2025-11-26.

Conditions:
Cardiomyopathy (CMYO). Also called: Cardiomyopathies. Identifiers: Orphanet 167848, MedGen C0878544, MONDO:0004994, HP:0001638. Inheritance: Various modes of inheritance.
Dilated cardiomyopathy 1D. Identifiers: Orphanet 154, Orphanet 54260, MedGen C1832243, MONDO:0011095, OMIM 601494.
Hypertrophic cardiomyopathy 2. Also called: TNNT2-Related Familial Hypertrophic Cardiomyopathy. Identifiers: MedGen C1861864, MONDO:0007266, OMIM 115195.
Cardiomyopathy, familial restrictive, 3. Identifiers: Orphanet 75249, MedGen C2676271, MONDO:0012900, OMIM 612422.

gnomAD v4.1: 2 of 1,610,718 alleles (0.00012%); highest among the groups gnomAD compares: South Asian, 0.0011%; no homozygotes.

Submissions (4):

Labcorp Genetics (formerly Invitae), Labcorp
Classification: Uncertain significance for Cardiomyopathy, familial restrictive, 3; Hypertrophic cardiomyopathy 2; Dilated cardiomyopathy 1D. Last evaluated: 2025-11-26. Review status: criteria provided, single submitter. Criteria: Invitae Variant Classification Sherloc (09022015). Collection method: clinical testing. Allele origin: germline.
Comment: This sequence change replaces glycine, which is neutral and non-polar, with arginine, which is basic and polar, at codon 285 of the TNNT2 protein (p.Gly285Arg). This variant is not present in population databases (gnomAD no frequency). This missense change has been observed in individual(s) with hypertrophic cardiomyopathy (PMID: 32492895; internal data). ClinVar contains an entry for this variant (Variation ID: 1507789). Invitae Evidence Modeling of protein sequence and biophysical properties (such as structural, functional, and spatial information, amino acid conservation, physicochemical variation, residue mobility, and thermodynamic stability) indicates that this missense variant is expected to disrupt TNNT2 protein function with a positive predictive value of 95%. In summary, the available evidence is currently insufficient to determine the role of this variant in disease. Therefore, it has been classified as a Variant of Uncertain Significance.

Genomic Medicine Center of Excellence, King Faisal Specialist Hospital and Research Centre
Classification: Uncertain significance for Dilated cardiomyopathy 1D. Last evaluated: 2025-09-10. Review status: criteria provided, single submitter. Criteria: ACMG Guidelines, 2015. Collection method: clinical testing. Allele origin: germline.

All of Us Research Program, National Institutes of Health
Classification: Uncertain significance for Cardiomyopathy. Last evaluated: 2024-06-09. Review status: criteria provided, single submitter. Criteria: ACMG Guidelines, 2015. Collection method: clinical testing. Allele origin: germline. Inheritance: Autosomal dominant inheritance. Observed: 4 variant alleles, 4 heterozygotes.
Comment: This missense variant replaces glycine with arginine at codon 285 of the TNNT2 protein. Computational prediction suggests that this variant may not impact protein structure and function (internally defined REVEL score threshold <= 0.5, PMID: 27666373). To our knowledge, functional studies have not been reported for this variant. This variant has not been reported in individuals affected with TNNT2-related disorders in the literature. This variant has not been identified in the general population by the Genome Aggregation Database (gnomAD). A different DNA substitution (c.853G>A) resulting in the same amino acid change as this variant has been reported in an individual affected with hypertrophic cardiomyopathy (PMID: 32492895). The available evidence is insufficient to determine the role of this variant in disease conclusively. Therefore, this variant is classified as a Variant of Uncertain Significance.

This study involves interpretation of variants in research participants for the purpose of population health screening. Participant phenotype was not available at the time of variant classification. Additional details can be found in publication PMID: 35346344, PMCID: PMC8962531

Color Diagnostics, LLC DBA Color Health
Classification: Uncertain significance for Cardiomyopathy. Last evaluated: 2024-04-12. Review status: criteria provided, single submitter. Criteria: ACMG Guidelines, 2015. Collection method: clinical testing. Allele origin: germline.
Comment: This missense variant replaces glycine with arginine at codon 285 of the TNNT2 protein. Computational prediction tools indicate that this variant has a neutral impact on protein structure and function. To our knowledge, functional studies have not been reported for this variant. This variant has not been reported in individuals affected with TNNT2-related disorders in the literature. This variant has not been identified in the general population by the Genome Aggregation Database (gnomAD). A different DNA substitution (c.853G>A) resulting in the same amino acid change as this variant has been reported in one individual affected with hypertrophic cardiomyopathy (PMID: 32492895). The available evidence is insufficient to determine the role of this variant in disease conclusively. Therefore, this variant is classified as a Variant of Uncertain Significance.

Literature cited by the submitters: PubMed 32492895 (cited by 3 submitters).

NM_001276345.2(TNNT2):c.883G>C (p.Gly295Arg)

Gene: TNNT2 (troponin T2, cardiac type; minus strand). Cytogenetic location: 1q32.1.
Variant type: single nucleotide variant.
Coding change: c.883G>C on transcript NM_001276345.2 (MANE Select); coding-DNA position 883, G replaced by C.
Protein change: p.Gly295Arg; replaces glycine 295 with arginine.
Molecular consequence: missense variant.
Genome position (GRCh38, 1-based): chr1:201,359,224, C>G on the plus strand (G>C on the coding strand, the complement: TNNT2 is on the minus strand). VCF-style: chr1-201359224-C-G. GRCh37 (hg19) VCF-style: chr1-201328352-C-G.
Other names: c.874G>C, p.Gly292Arg (NM_000364.4); c.853G>C, p.Gly285Arg (NM_001001430.3, NM_001276347.2); c.844G>C, p.Gly282Arg (NM_001001431.3); c.835G>C, p.Gly279Arg (NM_001001432.3); c.754G>C, p.Gly252Arg (NM_001276346.2); short protein forms G285R, G292R, G252R, G282R, G279R, G295R.
Identifiers: ClinVar variation 1507789 (VCV001507789.10), dbSNP rs147940106, ClinGen allele CA344201840.